The following is an entry in ClinVar:

NC_000006.11:g.(?_151725896)_(151773262_?)del

Gene: RMND1 (required for meiotic nuclear division 1 homolog; minus strand). Cytogenetic location: 6q25.1.
Variant type: Deletion.
Identifiers: ClinVar variation 4525798 (VCV004525798.1).

ClinVar aggregate classification (germline): Pathogenic (1 of 4 stars; one submission).

Conditions:
Combined oxidative phosphorylation defect type 11. Also called: ENCEPHALONEUROMYOPATHY, INFANTILE, DUE TO MITOCHONDRIAL TRANSLATION DEFECT; Combined oxidative phosphorylation deficiency 11. Identifiers: Orphanet 324535, MedGen C5190991, MONDO:0013969, OMIM 614922.

Submission:

Women's Health and Genetics/Laboratory Corporation of America, LabCorp
Classification: Pathogenic for Combined oxidative phosphorylation defect type 11. Last evaluated: 2025-07-17. Review status: criteria provided, single submitter. Criteria: LabCorp Variant Classification Summary - May 2015. Collection method: clinical testing. Allele origin: germline.
Comment: Variant summary: The variant involves the deletion of exons 1-12 in the RMND1 gene. This deletion includes the entire coding sequence of the gene. As the exact proximal and distal breakpoints are unknown, it may extend beyond the annotated region of the gene to include other flanking genes. A presumed nomenclature of c.(?_-126)_(*474_?)del has been designated for the purposes of this classification. The variant was absent in 21694 control chromosomes. To our knowledge, no occurrence of c.(?_-126)_(*474_?)del in individuals affected with Combined Oxidative Phosphorylation Defect Type 11 and no experimental evidence demonstrating its impact on protein function have been reported. No submitters have cited clinical-significance assessments for this variant to ClinVar. Based on the evidence outlined above, the variant was classified as pathogenic.